The following is an entry in ClinVar:

NM_014727.3(KMT2B):c.3504_3505delinsTT (p.His1169Tyr)

Gene: KMT2B (lysine methyltransferase 2B; plus strand). Cytogenetic location: 19q13.12.
Variant type: Indel.
Coding change: c.3504_3505delinsTT on transcript NM_014727.3 (MANE Select); coding-DNA positions 3504 to 3505, GC replaced by TT.
Protein change: p.His1169Tyr; replaces histidine 1169 with tyrosine.
Molecular consequence: missense variant.
Genome position (GRCh38, 1-based): chr19:35,725,063-35,725,064, GC replaced by TT. VCF-style: chr19-35725063-GC-TT. GRCh37 (hg19) VCF-style: chr19-36215964-GC-TT.
Other names: short protein forms H1169Y.
Identifiers: ClinVar variation 2824051 (VCV002824051.3), dbSNP rs2513329658, ClinGen allele CA2739276647.
Genomic context (GRCh38, chr19:35,725,063, plus strand): 5'-TGGCCCCTTTGCTTCTTTTCCCAATGGCTGGACTGGAAAGCAGAAGTCTCCCGATGGTGT[GC>TT]ACCGCGTCCGTGTGGATTTTAAGGTATGGCATTGAGTGGGGCGAGTCACAGAGCCTCTGG-3'
Protein context (NP_055542.1, residues 1159-1179): TGKQKSPDGV[His1169Tyr]RVRVDFKEDC

ClinVar aggregate classification (germline): Uncertain significance (1 of 4 stars; one submission).

Submission:

Labcorp Genetics (formerly Invitae), Labcorp
Classification: Uncertain significance. Last evaluated: 2023-08-10. Review status: criteria provided, single submitter. Criteria: Invitae Variant Classification Sherloc (09022015). Collection method: clinical testing. Allele origin: germline.
Comment: Experimental studies and prediction algorithms are not available or were not evaluated, and the functional significance of this variant is currently unknown. In summary, the available evidence is currently insufficient to determine the role of this variant in disease. Therefore, it has been classified as a Variant of Uncertain Significance. This variant has not been reported in the literature in individuals affected with KMT2B-related conditions. This sequence change replaces histidine, which is basic and polar, with tyrosine, which is neutral and polar, at codon 1169 of the KMT2B protein (p.His1169Tyr). Information on the frequency of this variant in the gnomAD database is not available, as this variant may be reported differently in the database.